The following is an entry in ClinVar:

NM_003737.4(DCHS1):c.8713C>T (p.Arg2905Trp)

Gene: DCHS1 (dachsous cadherin-related 1; minus strand). Cytogenetic location: 11p15.4.
Variant type: single nucleotide variant.
Coding change: c.8713C>T on transcript NM_003737.4 (MANE Select); coding-DNA position 8713, C replaced by T.
Protein change: p.Arg2905Trp; replaces arginine 2905 with tryptophan.
Molecular consequence: missense variant.
Genome position (GRCh38, 1-based): chr11:6,622,963, G>A on the plus strand (C>T on the coding strand, the complement: DCHS1 is on the minus strand). VCF-style: chr11-6622963-G-A. GRCh37 (hg19) VCF-style: chr11-6644194-G-A.
Other names: short protein forms R2905W.
Identifiers: ClinVar variation 2099419 (VCV002099419.4), dbSNP rs776156556, ClinGen allele CA5859370.
Genomic context (GRCh38, chr11:6,622,963, plus strand): 5'-TGTGGGTGATATCCACGGTCACAGGCACTGTGGCACTCCGGGAACCAGGCAGAGGCCCCC[G>A]TGCTATCACCTCCAGCCTCAGCTCCCGTGGTGCTTCCCGCCGGGTCCGGCCCCCACCCCC-3'
Protein context (NP_003728.1, residues 2895-2915): PRELRLEVIA[Arg2905Trp]GPLPGSRSAT

ClinVar aggregate classification (germline): Uncertain significance (1 of 4 stars; one submission).

Allele frequency attached by ClinVar (database versions not stated): gnomAD exomes 0.00001.
gnomAD v4.1: 14 of 1,576,642 alleles (0.00089%); highest among the groups gnomAD compares: Non-Finnish European, 0.0011%; no homozygotes.

Submission:

Labcorp Genetics (formerly Invitae), Labcorp
Classification: Uncertain significance. Last evaluated: 2022-05-27. Review status: criteria provided, single submitter. Criteria: Invitae Variant Classification Sherloc (09022015). Collection method: clinical testing. Allele origin: germline.
Comment: This variant has not been reported in the literature in individuals affected with DCHS1-related conditions. In summary, the available evidence is currently insufficient to determine the role of this variant in disease. Therefore, it has been classified as a Variant of Uncertain Significance. Advanced modeling of protein sequence and biophysical properties (such as structural, functional, and spatial information, amino acid conservation, physicochemical variation, residue mobility, and thermodynamic stability) performed at Invitae indicates that this missense variant is not expected to disrupt DCHS1 protein function. The frequency data for this variant in the population databases is considered unreliable, as metrics indicate poor data quality at this position in the gnomAD database. This sequence change replaces arginine, which is basic and polar, with tryptophan, which is neutral and slightly polar, at codon 2905 of the DCHS1 protein (p.Arg2905Trp).